The following is an entry in ClinVar:

ClinVar aggregate classification (germline): Uncertain significance (1 of 4 stars; one submission).

Conditions:
POLD1-related polyposis and colorectal cancer syndrome (CRCS10). Also called: Colorectal cancer, susceptibility to, 10; Colorectal cancer 10; COLORECTAL CANCER, SUSCEPTIBILITY TO, ON CHROMOSOME 19q. Identifiers: Orphanet 220460, MedGen C2675481, MONDO:0012953, OMIM 612591.

Submission:

Labcorp Genetics (formerly Invitae), Labcorp
Classification: Uncertain significance for POLD1-related polyposis and colorectal cancer syndrome. Last evaluated: 2016-06-21. Review status: criteria provided, single submitter. Criteria: Invitae Variant Classification Sherloc (09022015). Collection method: clinical testing. Allele origin: germline.
Comment: This sequence change deletes 2 nucleotide from exon 13 of the POLD1 mRNA (c.1509_1510delGA), causing a frameshift at codon 503. This creates a premature translational stop signal (p.Gln503Hisfs*131) and is expected to result in an absent or disrupted protein product. The current clinical and genetic evidence is not sufficient to establish whether loss-of-function variants in POLD1 cause disease. Therefore, this variant has been classified as a Variant of Uncertain Significance. This variant is not present in population databases (ExAC no frequency) and has not been reported in the literature in individuals with a POLD1-related disease.

NM_002691.4(POLD1):c.1509_1510del (p.Gln503fs)

Gene: POLD1 (DNA polymerase delta 1, catalytic subunit; plus strand). Cytogenetic location: 19q13.33.
Variant type: Deletion.
Coding change: c.1509_1510del on transcript NM_002691.4 (MANE Select); coding-DNA positions 1509 to 1510, 2 bases deleted (GA; older notation c.1509_1510delGA).
Protein change: p.Gln503fs; shifts the reading frame from glutamine 503.
Molecular consequence: frameshift variant. On other transcripts: non-coding transcript variant (1).
Genome position (GRCh38, 1-based): chr19:50,406,997-50,406,998, GA deleted; deleting any 2 consecutive bases within chr19:50,406,996-50,406,998 gives the same sequence; the c. name uses the placement nearest the transcript's 3' end. VCF-style (leftmost placement, unchanged base first): chr19-50406995-CAG-C. GRCh37 (hg19) VCF-style: chr19-50910252-CAG-C.
Other names: c.1509_1510del, p.Gln503fs (NM_001256849.1, NM_001308632.1); short protein forms Q503fs.
Identifiers: ClinVar variation 408096 (VCV000408096.8), dbSNP rs1060501850, ClinGen allele CA16616375.